The following is an entry in ClinVar:

ClinVar aggregate classification (germline): Uncertain significance (1 of 4 stars; one submission).

Conditions:
Inborn genetic diseases. Identifiers: MedGen C0950123, MeSH D030342.

Submissions (2):

Ambry Genetics
Classification: Uncertain significance for Inborn genetic diseases. Last evaluated: 2023-04-20. Review status: criteria provided, single submitter. Criteria: Ambry Variant Classification Scheme 2023. Collection method: clinical testing. Allele origin: germline.
Comment: The c.1513G>T (p.D505Y) alteration is located in exon 6 (coding exon 5) of the NLGN3 gene. This alteration results from a G to T substitution at nucleotide position 1513, causing the aspartic acid (D) at amino acid position 505 to be replaced by a tyrosine (Y). This variant was not reported in population-based cohorts in the Genome Aggregation Database (gnomAD). This amino acid position is highly conserved in available vertebrate species. This missense alteration is located in a region that has a low rate of benign missense variation (Lek, 2016; Firth, 2009). This alteration is predicted to be deleterious by in silico analysis. Based on insufficient or conflicting evidence, the clinical significance of this alteration remains unclear.

Dr. Peter K. Rogan Lab, Western University
No classification provided (evidence only). Condition: Thyroid cancer, nonmedullary, 1. Review status: no classification provided. Collection method: in vitro. Allele origin: not applicable. Functional consequence: retained intron. Not counted in ClinVar's aggregate classification.

NM_181303.2(NLGN3):c.1573G>T (p.Asp525Tyr)

Gene: NLGN3 (neuroligin 3; plus strand). Cytogenetic location: Xq13.1.
Variant type: single nucleotide variant.
Coding change: c.1573G>T on transcript NM_181303.2 (MANE Select); coding-DNA position 1573, G replaced by T.
Protein change: p.Asp525Tyr; replaces aspartic acid 525 with tyrosine.
Molecular consequence: missense variant.
Genome position (GRCh38, 1-based): chrX:71,167,670, G>T. VCF-style: chrX-71167670-G-T. GRCh37 (hg19) VCF-style: chrX-70387520-G-T.
Other names: NC_000023.10:g.70387520G>T; c.1453G>T, p.Asp485Tyr (NM_001166660.2); c.1162G>T, p.Asp388Tyr (NM_001321276.2); c.1513G>T, p.Asp505Tyr (NM_018977.4); short protein forms D485Y, D505Y, D525Y, D388Y.
Identifiers: ClinVar variation 2525944 (VCV002525944.3), dbSNP rs2519768548, ClinGen allele CA413563322.